The following is an entry in ClinVar:

NM_020928.2(ZSWIM6):c.1897C>T (p.Leu633=)

Gene: ZSWIM6 (zinc finger SWIM-type containing 6; plus strand). Cytogenetic location: 5q12.1.
Variant type: single nucleotide variant.
Coding change: c.1897C>T on transcript NM_020928.2 (MANE Select); coding-DNA position 1897, C replaced by T.
Protein change: p.Leu633=; no amino-acid change (leucine 633 retained).
Molecular consequence: synonymous variant.
Genome position (GRCh38, 1-based): chr5:61,530,111, C>T. VCF-style: chr5-61530111-C-T. GRCh37 (hg19) VCF-style: chr5-60825938-C-T.
Identifiers: ClinVar variation 727912 (VCV000727912.26), dbSNP rs188344729, ClinGen allele CA3278395.
Genomic context (GRCh38, chr5:61,530,111, plus strand): 5'-GAGCTACCCCATAAAAACATAACCTCGATAACCAATCTGGAGGGCTGGGTTGGACATCCC[C>T]TGGACCCTGTGGGCACTCTCTTCAGTAGCCTTATGGAAGCCTGCCGCATTGATGATGAGA-3'
Protein context (NP_065979.1, residues 623-643): TNLEGWVGHP[Leu633=]DPVGTLFSSL

ClinVar aggregate classification (germline): Benign/Likely benign. Review status: criteria provided, multiple submitters, no conflicts (2 of 4 stars). 4 submissions from 4 submitters: Benign (1); Likely benign (3). Last evaluated 2026-03-01.

Allele frequency attached by ClinVar (database versions not stated): TOPMed 0.00023; 1000 Genomes Project 30x 0.00047; 1000 Genomes Project 0.00060; gnomAD exomes 0.00066 and 0.00114; gnomAD 0.00075 and 0.00076; ExAC 0.00122.

Submissions (4):

CeGaT Center for Human Genetics Tuebingen
Classification: Likely benign. Last evaluated: 2026-03-01. Review status: criteria provided, single submitter. Criteria: CeGaT Center For Human Genetics Tuebingen Variant Classification Criteria Version 2. Collection method: clinical testing. Allele origin: germline. Affected: yes. Observed: 3 variant alleles.
Comment: ZSWIM6: BP4, BP7

Labcorp Genetics (formerly Invitae), Labcorp
Classification: Benign. Last evaluated: 2026-01-31. Review status: criteria provided, single submitter. Criteria: Invitae Variant Classification Sherloc (09022015). Collection method: clinical testing. Allele origin: germline.

Laboratory of Genetics, Children's Clinical University Hospital Latvia
Classification: Likely benign. Last evaluated: 2025-02-16. Review status: criteria provided, single submitter. Criteria: ACMG Guidelines, 2015. Collection method: clinical testing. Allele origin: germline. Affected: yes.

Blueprint Genetics
Classification: Likely benign. Last evaluated: 2024-11-23. Review status: criteria provided, single submitter. Criteria: ACMG Guidelines, 2015. Collection method: clinical testing. Allele origin: germline.